The following is an entry in ClinVar:

NM_000222.3(KIT):c.1069G>C (p.Asp357His)

Gene: KIT (KIT proto-oncogene, receptor tyrosine kinase; plus strand). Cytogenetic location: 4q12.
Variant type: single nucleotide variant.
Coding change: c.1069G>C on transcript NM_000222.3 (MANE Select); coding-DNA position 1069, G replaced by C.
Protein change: p.Asp357His; replaces aspartic acid 357 with histidine.
Molecular consequence: missense variant.
Genome position (GRCh38, 1-based): chr4:54,707,241, G>C. VCF-style: chr4-54707241-G-C. GRCh37 (hg19) VCF-style: chr4-55573407-G-C.
Other names: c.1069G>C, p.Asp357His (NM_001093772.2, NM_001385285.1, NM_001385286.1); c.1072G>C, p.Asp358His (NM_001385284.1, NM_001385288.1, NM_001385290.1 and 1 more transcripts); short protein forms D358H, D357H.
Identifiers: ClinVar variation 3864540 (VCV003864540.1).

ClinVar aggregate classification (germline): Uncertain significance (1 of 4 stars; one submission).

Conditions:
Hereditary cancer-predisposing syndrome. Also called: Hereditary neoplastic syndrome; Neoplastic Syndromes, Hereditary; Tumor predisposition; Hereditary Cancer Syndrome. Identifiers: Orphanet 140162, MedGen C0027672, MeSH D009386, MONDO:0015356.

gnomAD v4.1: 1 of 1,613,032 alleles (0.000062%); highest among the groups gnomAD compares: South Asian, 0.0011%; no homozygotes.

Submission:

Ambry Genetics
Classification: Uncertain significance for Hereditary cancer-predisposing syndrome. Last evaluated: 2025-01-31. Review status: criteria provided, single submitter. Criteria: Ambry Variant Classification Scheme 2023. Collection method: clinical testing. Allele origin: germline.
Comment: The p.D357H variant (also known as c.1069G>C), located in coding exon 6 of the KIT gene, results from a G to C substitution at nucleotide position 1069. The aspartic acid at codon 357 is replaced by histidine, an amino acid with similar properties. This amino acid position is conserved. In addition, this alteration is predicted to be tolerated by in silico analysis. Based on the available evidence, the clinical significance of this variant remains unclear.